The following is an entry in ClinVar:

NM_001130438.3(SPTAN1):c.630G>T (p.Gln210His)

Gene: SPTAN1 (spectrin alpha, non-erythrocytic 1; plus strand). Cytogenetic location: 9q34.11.
Variant type: single nucleotide variant.
Coding change: c.630G>T on transcript NM_001130438.3 (MANE Select); coding-DNA position 630, G replaced by T.
Protein change: p.Gln210His; replaces glutamine 210 with histidine.
Molecular consequence: missense variant.
Genome position (GRCh38, 1-based): chr9:128,575,324, G>T. VCF-style: chr9-128575324-G-T. GRCh37 (hg19) VCF-style: chr9-131337603-G-T.
Other names: c.630G>T, p.Gln210His (NM_001195532.2, NM_001363759.2, NM_001363765.2 and 5 more transcripts); c.666G>T, p.Gln222His (NM_001375312.2, NM_001375318.1); short protein forms Q210H, Q222H.
Identifiers: ClinVar variation 998492 (VCV000998492.9), dbSNP rs1851179826, ClinGen allele CA375053522.

ClinVar aggregate classification (germline): Uncertain significance (1 of 4 stars; one submission).

Conditions:
Early-infantile DEE. Also called: Early infantile epileptic encephalopathy with suppression bursts; Ohtahara syndrome; Early infantile epileptic encephalopathy. Identifiers: Orphanet 1934, MedGen C0393706, MONDO:0800491.

Submission:

Labcorp Genetics (formerly Invitae), Labcorp
Classification: Uncertain significance for Early-infantile DEE. Last evaluated: 2022-03-19. Review status: criteria provided, single submitter. Criteria: Invitae Variant Classification Sherloc (09022015). Collection method: clinical testing. Allele origin: germline.
Comment: In summary, the available evidence is currently insufficient to determine the role of this variant in disease. Therefore, it has been classified as a Variant of Uncertain Significance. Algorithms developed to predict the effect of missense changes on protein structure and function are either unavailable or do not agree on the potential impact of this missense change (SIFT: "Deleterious"; PolyPhen-2: "Benign"; Align-GVGD: "Class C15"). ClinVar contains an entry for this variant (Variation ID: 998492). This variant has not been reported in the literature in individuals affected with SPTAN1-related conditions. This variant is not present in population databases (gnomAD no frequency). This sequence change replaces glutamine, which is neutral and polar, with histidine, which is basic and polar, at codon 210 of the SPTAN1 protein (p.Gln210His).